The following is an entry in ClinVar:

NM_001378454.1(ALMS1):c.2636A>G (p.His879Arg)

Gene: ALMS1 (ALMS1 centrosome and basal body associated protein; plus strand). Cytogenetic location: 2p13.1.
Variant type: single nucleotide variant.
Coding change: c.2636A>G on transcript NM_001378454.1 (MANE Select); coding-DNA position 2636, A replaced by G.
Protein change: p.His879Arg; replaces histidine 879 with arginine.
Molecular consequence: missense variant.
Genome position (GRCh38, 1-based): chr2:73,449,163, A>G. VCF-style: chr2-73449163-A-G. GRCh37 (hg19) VCF-style: chr2-73676290-A-G.
Other names: c.2639A>G, p.His880Arg (NM_015120.4); short protein forms H879R, H880R.
Identifiers: ClinVar variation 1020395 (VCV001020395.8), dbSNP rs1671873298, ClinGen allele CA347270822.

ClinVar aggregate classification (germline): Conflicting classifications of pathogenicity. Review status: criteria provided, conflicting classifications (1 of 4 stars). 3 submissions from 3 submitters: Uncertain significance (2); Likely benign (1). Last evaluated 2025-09-03.

Conditions:
Alstrom syndrome (ALMS). Identifiers: Orphanet 64, MedGen C0268425, MONDO:0008763, OMIM 203800.
Cardiovascular phenotype. Identifiers: MedGen CN230736.

Allele frequency attached by ClinVar (database versions not stated): gnomAD exomes below 0.00001; gnomAD 0.00001; TOPMed 0.00001.
gnomAD v4.1: 6 of 1,614,010 alleles (0.00037%); highest among the groups gnomAD compares: African/African-American, 0.004%; no homozygotes.

Submissions (3):

Ambry Genetics
Classification: Likely benign for Cardiovascular phenotype. Last evaluated: 2025-09-03. Review status: criteria provided, single submitter. Criteria: Ambry Variant Classification Scheme 2023. Collection method: clinical testing. Allele origin: germline.

Labcorp Genetics (formerly Invitae), Labcorp
Classification: Uncertain significance for Alstrom syndrome. Last evaluated: 2022-07-11. Review status: criteria provided, single submitter. Criteria: Invitae Variant Classification Sherloc (09022015). Collection method: clinical testing. Allele origin: germline.
Comment: In summary, the available evidence is currently insufficient to determine the role of this variant in disease. Therefore, it has been classified as a Variant of Uncertain Significance. Experimental studies and prediction algorithms are not available or were not evaluated, and the functional significance of this variant is currently unknown. ClinVar contains an entry for this variant (Variation ID: 1020395). This variant has not been reported in the literature in individuals affected with ALMS1-related conditions. This variant is not present in population databases (gnomAD no frequency). This sequence change replaces histidine, which is basic and polar, with arginine, which is basic and polar, at codon 880 of the ALMS1 protein (p.His880Arg).

Fulgent Genetics
Classification: Uncertain significance for Alstrom syndrome. Last evaluated: 2021-08-18. Review status: criteria provided, single submitter. Criteria: ACMG Guidelines, 2015. Collection method: clinical testing. Allele origin: unknown.